The following is an entry in ClinVar:

ClinVar aggregate classification (germline): Uncertain significance (1 of 4 stars; one submission).

Conditions:
Inborn genetic diseases. Identifiers: MedGen C0950123, MeSH D030342.

Submission:

Ambry Genetics
Classification: Uncertain significance for Inborn genetic diseases. Last evaluated: 2025-02-27. Review status: criteria provided, single submitter. Criteria: Ambry Variant Classification Scheme 2023. Collection method: clinical testing. Allele origin: germline.
Comment: The p.T628S variant (also known as c.1882A>T), located in coding exon 1 of the SAMD9L gene, results from an A to T substitution at nucleotide position 1882. The threonine at codon 628 is replaced by serine, an amino acid with similar properties. This amino acid position is conserved. In addition, this alteration is predicted to be tolerated by in silico analysis. Based on the available evidence, the clinical significance of this variant remains unclear.

NM_152703.5(SAMD9L):c.1882A>T (p.Thr628Ser)

Gene: SAMD9L (sterile alpha motif domain containing 9 like; minus strand). Cytogenetic location: 7q21.2.
Variant type: single nucleotide variant.
Coding change: c.1882A>T on transcript NM_152703.5 (MANE Select); coding-DNA position 1882, A replaced by T.
Protein change: p.Thr628Ser; replaces threonine 628 with serine.
Molecular consequence: missense variant.
Genome position (GRCh38, 1-based): chr7:93,134,090, T>A on the plus strand (A>T on the coding strand, the complement: SAMD9L is on the minus strand). VCF-style: chr7-93134090-T-A. GRCh37 (hg19) VCF-style: chr7-92763403-T-A.
Other names: c.1882A>T, p.Thr628Ser (NM_001303496.3, NM_001303497.3, NM_001303498.3 and 5 more transcripts); short protein forms T628S.
Identifiers: ClinVar variation 3792457 (VCV003792457.1).